The following is an entry in ClinVar:

ClinVar aggregate classification (germline): Uncertain significance. Review status: criteria provided, multiple submitters, no conflicts (2 of 4 stars). 2 submissions from 2 submitters: Uncertain significance (2). Last evaluated 2022-10-27.

Conditions:
Inborn genetic diseases. Identifiers: MedGen C0950123, MeSH D030342.
Severe combined immunodeficiency due to CORO1A deficiency. Also called: IMMUNODEFICIENCY 8 WITH LYMPHOPROLIFERATION; Immunodeficiency 8. Identifiers: Orphanet 228003, MedGen C3809383, MONDO:0014168, OMIM 615401.

gnomAD v4.1: 9 of 1,612,058 alleles (0.00056%); highest among the groups gnomAD compares: Middle Eastern, 0.017%; no homozygotes.

Submissions (2):

Ambry Genetics
Classification: Uncertain significance for Inborn genetic diseases. Last evaluated: 2022-10-27. Review status: criteria provided, single submitter. Criteria: Ambry Variant Classification Scheme 2023. Collection method: clinical testing. Allele origin: germline.

Labcorp Genetics (formerly Invitae), Labcorp
Classification: Uncertain significance for Severe combined immunodeficiency due to CORO1A deficiency. Last evaluated: 2021-08-31. Review status: criteria provided, single submitter. Criteria: Invitae Variant Classification Sherloc (09022015). Collection method: clinical testing. Allele origin: germline.
Comment: This sequence change replaces valine with phenylalanine at codon 125 of the CORO1A protein (p.Val125Phe). The valine residue is moderately conserved and there is a small physicochemical difference between valine and phenylalanine. This variant is not present in population databases (ExAC no frequency). This variant has not been reported in the literature in individuals affected with CORO1A-related conditions. Algorithms developed to predict the effect of missense changes on protein structure and function are either unavailable or do not agree on the potential impact of this missense change (SIFT: "Deleterious"; PolyPhen-2: "Probably Damaging"; Align-GVGD: "Class C0"). In summary, the available evidence is currently insufficient to determine the role of this variant in disease. Therefore, it has been classified as a Variant of Uncertain Significance.

NM_007074.4(CORO1A):c.373G>T (p.Val125Phe)

Gene: CORO1A (coronin 1A; plus strand). Cytogenetic location: 16p11.2.
Variant type: single nucleotide variant.
Coding change: c.373G>T on transcript NM_007074.4 (MANE Select); coding-DNA position 373, G replaced by T.
Protein change: p.Val125Phe; replaces valine 125 with phenylalanine.
Molecular consequence: missense variant.
Genome position (GRCh38, 1-based): chr16:30,186,867, G>T. VCF-style: chr16-30186867-G-T. GRCh37 (hg19) VCF-style: chr16-30198188-G-T.
Other names: c.373G>T, p.Val125Phe (NM_001193333.3); short protein forms V125F.
Identifiers: ClinVar variation 848351 (VCV000848351.8), dbSNP rs143294920, ClinGen allele CA395493172.